The following is an entry in ClinVar:

NM_152594.3(SPRED1):c.117A>G (p.Leu39=)

Gene: SPRED1 (sprouty related EVH1 domain containing 1; plus strand). Cytogenetic location: 15q14.
Variant type: single nucleotide variant.
Coding change: c.117A>G on transcript NM_152594.3 (MANE Select); coding-DNA position 117, A replaced by G.
Protein change: p.Leu39=; no amino-acid change (leucine 39 retained).
Molecular consequence: synonymous variant.
Genome position (GRCh38, 1-based): chr15:38,299,457, A>G. VCF-style: chr15-38299457-A-G. GRCh37 (hg19) VCF-style: chr15-38591658-A-G.
Identifiers: ClinVar variation 1741683 (VCV001741683.9), dbSNP rs2542660979, ClinGen allele CA489922735.
Genomic context (GRCh38, chr15:38,299,457, plus strand): 5'-TGTGGTGATGACCCGAGATGACTCAAGTGGTGGATGGTTACCACTTGGAGGGAGTGGACT[A>G]AGCAGCGTCACTGTCTTCAAAGTCCCTCATCAGGAAGAGAATGGCTGTGCTGACTTTTTT-3'
Protein context (NP_689807.1, residues 29-49): GGWLPLGGSG[Leu39=]SSVTVFKVPH

ClinVar aggregate classification (germline): Likely benign. Review status: criteria provided, multiple submitters, no conflicts (2 of 4 stars). 3 submissions from 3 submitters: Likely benign (2). 1 of the submissions does not count toward it. Last evaluated 2022-10-16.

Conditions:
Cardiovascular phenotype. Identifiers: MedGen CN230736.
SPRED1-related disorder. Also called: SPRED1-related condition.
Legius syndrome. Identifiers: Orphanet 137605, MedGen C1969623, MONDO:0012669, OMIM 611431. Disease mechanism: loss of function.

Allele frequency attached by ClinVar (database versions not stated): gnomAD exomes below 0.00001.
gnomAD v4.1: 1 of 1,614,028 alleles (0.000062%); highest among the groups gnomAD compares: Non-Finnish European, 0.000085%; no homozygotes.

Submissions (3):

Labcorp Genetics (formerly Invitae), Labcorp
Classification: Likely benign for Legius syndrome. Last evaluated: 2022-10-16. Review status: criteria provided, single submitter. Criteria: Invitae Variant Classification Sherloc (09022015). Collection method: clinical testing. Allele origin: germline.

Ambry Genetics
Classification: Likely benign for Cardiovascular phenotype. Last evaluated: 2021-04-02. Review status: criteria provided, single submitter. Criteria: Ambry Variant Classification Scheme 2023. Collection method: clinical testing. Allele origin: germline.

PreventionGenetics, part of Exact Sciences
Classification: Likely benign for SPRED1-related condition. Last evaluated: 2023-11-27. Review status: no assertion criteria provided. Collection method: clinical testing. Allele origin: germline. Not counted in ClinVar's aggregate classification.
Comment: This variant is classified as likely benign based on ACMG/AMP sequence variant interpretation guidelines (Richards et al. 2015 PMID: 25741868, with internal and published modifications).